The following is an entry in ClinVar:

ClinVar aggregate classification (germline): Uncertain significance (1 of 4 stars; one submission).

Conditions:
Inborn genetic diseases. Identifiers: MedGen C0950123, MeSH D030342.

Submission:

Ambry Genetics
Classification: Uncertain significance for Inborn genetic diseases. Last evaluated: 2025-02-13. Review status: criteria provided, single submitter. Criteria: Ambry Variant Classification Scheme 2023. Collection method: clinical testing. Allele origin: germline.
Comment: The p.E332Q variant (also known as c.994G>C), located in coding exon 11 of the ASXL1 gene, results from a G to C substitution at nucleotide position 994. The glutamic acid at codon 332 is replaced by glutamine, an amino acid with highly similar properties. This amino acid position is conserved. In addition, this alteration is predicted to be deleterious by in silico analysis. Based on the available evidence, the clinical significance of this variant remains unclear.

NM_015338.6(ASXL1):c.994G>C (p.Glu332Gln)

Gene: ASXL1 (ASXL transcriptional regulator 1; plus strand). Cytogenetic location: 20q11.21.
Variant type: single nucleotide variant.
Coding change: c.994G>C on transcript NM_015338.6 (MANE Select); coding-DNA position 994, G replaced by C.
Protein change: p.Glu332Gln; replaces glutamic acid 332 with glutamine.
Molecular consequence: missense variant.
Genome position (GRCh38, 1-based): chr20:32,432,894, G>C. VCF-style: chr20-32432894-G-C. GRCh37 (hg19) VCF-style: chr20-31020697-G-C.
Other names: c.811G>C, p.Glu271Gln (NM_001363734.1); short protein forms E271Q, E332Q.
Identifiers: ClinVar variation 3793494 (VCV003793494.1).